The following is an entry in ClinVar:

NM_015374.3(SUN2):c.1406G>C (p.Gly469Ala)

Genes: GTPBP1 (GTP binding protein 1; plus strand), SUN2 (Sad1 and UNC84 domain containing 2; minus strand). Cytogenetic location: 22q13.1.
Variant type: single nucleotide variant.
Coding change: c.1406G>C on transcript NM_015374.3 (MANE Select); coding-DNA position 1406, G replaced by C.
Protein change: p.Gly469Ala; replaces glycine 469 with alanine.
Molecular consequence: missense variant.
Genome position (GRCh38, 1-based): chr22:38,739,894, C>G on the plus strand (G>C on the coding strand, the complement: SUN2 is on the minus strand). VCF-style: chr22-38739894-C-G. GRCh37 (hg19) VCF-style: chr22-39135899-C-G.
Other names: c.1469G>C, p.Gly490Ala (NM_001199579.2, NM_001394428.1); c.1406G>C, p.Gly469Ala (NM_001199580.2, NM_001394431.1, NM_001394432.1 and 5 more transcripts); c.1499G>C, p.Gly500Ala (NM_001394427.1); c.1451G>C, p.Gly484Ala (NM_001394429.1, NM_001394430.1); c.1316G>C, p.Gly439Ala (NM_001394438.1); c.1268G>C, p.Gly423Ala (NM_001394439.1, NM_001394440.1, NM_001394441.1); c.1007G>C, p.Gly336Ala (NM_001394442.1); c.914G>C, p.Gly305Ala (NM_001394443.1); and 1 more; short protein forms G439A, G490A, G484A, G305A, G336A, G277A, G423A, G469A.
Identifiers: ClinVar variation 2045624 (VCV002045624.4), dbSNP rs1363733396, ClinGen allele CA411584370.
Genomic context (GRCh38, chr22:38,739,894, plus strand): 5'-TCCAGCTCTCGCAGCTGAGCTTGCATCTCCTCTCTCTGAAGGAGCCCCACGCGGCCCCCT[C>G]CACCTCGGGCAAGGAACTGACTGATCCAGGCCGGGAACTGAGATTCCACCTATAGGAACC-3'
Protein context (NP_056189.1, residues 459-479): AWISQFLARG[Gly469Ala]GGRVGLLQRE

ClinVar aggregate classification (germline): Uncertain significance (1 of 4 stars; one submission).

Conditions:
Emery-Dreifuss muscular dystrophy (EDMD). Also called: Scapuloperoneal syndrome, X-linked (formerly); Humeroperoneal neuromuscular disease, (formerly). Identifiers: Orphanet 261, MedGen C0410189, MONDO:0016830.

Submission:

Labcorp Genetics (formerly Invitae), Labcorp
Classification: Uncertain significance for Emery-Dreifuss muscular dystrophy. Last evaluated: 2024-10-29. Review status: criteria provided, single submitter. Criteria: Invitae Variant Classification Sherloc (09022015). Collection method: clinical testing. Allele origin: germline.
Comment: This sequence change replaces glycine, which is neutral and non-polar, with alanine, which is neutral and non-polar, at codon 469 of the SUN2 protein (p.Gly469Ala). This variant is not present in population databases (gnomAD no frequency). This variant has not been reported in the literature in individuals affected with SUN2-related conditions. ClinVar contains an entry for this variant (Variation ID: 2045624). An algorithm developed to predict the effect of missense changes on protein structure and function (PolyPhen-2) suggests that this variant is likely to be tolerated. In summary, the available evidence is currently insufficient to determine the role of this variant in disease. Therefore, it has been classified as a Variant of Uncertain Significance.